The following is an entry in ClinVar:

NM_002519.3(NPAT):c.839T>C (p.Val280Ala)

Gene: NPAT (nuclear protein, coactivator of histone transcription; minus strand). Cytogenetic location: 11q22.3.
Variant type: single nucleotide variant.
Coding change: c.839T>C on transcript NM_002519.3 (MANE Select); coding-DNA position 839, T replaced by C.
Protein change: p.Val280Ala; replaces valine 280 with alanine.
Molecular consequence: missense variant.
Genome position (GRCh38, 1-based): chr11:108,185,299, A>G on the plus strand (T>C on the coding strand, the complement: NPAT is on the minus strand). VCF-style: chr11-108185299-A-G. GRCh37 (hg19) VCF-style: chr11-108056026-A-G.
Other names: c.839T>C, p.Val280Ala (NM_001321307.1); short protein forms V280A.
Identifiers: ClinVar variation 1763228 (VCV001763228.2), dbSNP rs1281240375, ClinGen allele CA382520177.

ClinVar aggregate classification (germline): Uncertain significance (1 of 4 stars; one submission).

Submission:

Ambry Genetics
Classification: Uncertain significance. Last evaluated: 2022-02-03. Review status: criteria provided, single submitter. Criteria: Ambry Variant Classification Scheme 2023. Collection method: clinical testing. Allele origin: germline.
Comment: The p.V280A variant (also known as c.839T>C), located in coding exon 10 of the NPAT gene, results from a T to C substitution at nucleotide position 839. The valine at codon 280 is replaced by alanine, an amino acid with similar properties. This amino acid position is conserved. In addition, this alteration is predicted to be tolerated by in silico analysis. Since supporting evidence is limited at this time, the clinical significance of this alteration remains unclear.